The following is an entry in ClinVar:

NM_000492.4(CFTR):c.601del (p.Val201fs)

Gene: CFTR (CF transmembrane conductance regulator; plus strand). Cytogenetic location: 7q31.2.
Variant type: Deletion.
Coding change: c.601del on transcript NM_000492.4 (MANE Select); coding-DNA position 601, one base deleted (G; older notation c.601delG).
Protein change: p.Val201fs; shifts the reading frame from valine 201.
Molecular consequence: frameshift variant.
Genome position (GRCh38, 1-based): chr7:117,535,269, G deleted. VCF-style (leftmost placement, unchanged base first): chr7-117535268-CG-C. GRCh37 (hg19) VCF-style: chr7-117175322-CG-C.
Other names: c.601delG (NM_000492.3); short protein forms V201fs.
Identifiers: ClinVar variation 54023 (VCV000054023.10), dbSNP rs397508767, ClinGen allele CA327596.
Genomic context (GRCh38, chr7:117,535,268, plus strand): 5'-ATACAATGACACCTGTTTTTGCTGTGCTTTTATTTTCCAGGGACTTGCATTGGCACATTT[CG>C]TGTGGATCGCTCCTTTGCAAGTGGCACTCCTCATGGGGCTAATCTGGGAGTTGTTACAGG-3'

ClinVar aggregate classification (germline): Pathogenic. Review status: criteria provided, multiple submitters, no conflicts (2 of 4 stars). 4 submissions from 4 submitters: Pathogenic (3). 1 of the submissions does not count toward it. Last evaluated 2024-03-16.

Conditions:
CFTR-related disorder (CFTR-RD). Also called: CFTR-related condition; CFTR-related disorders. Identifiers: MedGen C5924204, MONDO:7770004.
Bronchiectasis with or without elevated sweat chloride 1 (BESC1). Also called: Cystic Fibrosis-Like Syndrome. Identifiers: Orphanet 60033, MedGen C2749757, MONDO:0008887, OMIM 211400.
Cystic fibrosis (CF). Also called: MUCOVISCIDOSIS. Identifiers: Orphanet 586, MedGen C0010674, MONDO:0009061, OMIM 219700. Disease mechanism: loss of function.

Submissions (4):

Baylor Genetics
Classification: Pathogenic for Bronchiectasis with or without elevated sweat chloride 1. Last evaluated: 2024-03-16. Review status: criteria provided, single submitter. Criteria: ACMG Guidelines, 2015. Collection method: clinical testing. Allele origin: unknown.

Labcorp Genetics (formerly Invitae), Labcorp
Classification: Pathogenic for Cystic fibrosis. Last evaluated: 2021-07-21. Review status: criteria provided, single submitter. Criteria: Invitae Variant Classification Sherloc (09022015). Collection method: clinical testing. Allele origin: germline.
Comment: This sequence change creates a premature translational stop signal (p.Val201Cysfs*14) in the CFTR gene. It is expected to result in an absent or disrupted protein product. This variant is not present in population databases (ExAC no frequency). This variant has not been reported in the literature in individuals with CFTR-related conditions. Loss-of-function variants in CFTR are known to be pathogenic (PMID: 1695717, 7691345, 9725922). For these reasons, this variant has been classified as Pathogenic.

CFTR-France
Classification: Pathogenic for cystic fibrosis. Last evaluated: 2018-01-29. Review status: criteria provided, single submitter. Criteria: Claustres M et al. (Hum Mutat 2017). Collection method: curation. Allele origin: germline. Affected: yes.

Natera, Inc.
Classification: Pathogenic for CFTR-related disorders. Last evaluated: 2017-03-17. Review status: no assertion criteria provided. Collection method: clinical testing. Allele origin: germline. Not counted in ClinVar's aggregate classification.

Literature cited by the submitters: PubMed 1695717 (cited by Labcorp Genetics (formerly Invitae), Labcorp); PubMed 7691345 (cited by Labcorp Genetics (formerly Invitae), Labcorp); PubMed 9725922 (cited by Labcorp Genetics (formerly Invitae), Labcorp).